The following is an entry in ClinVar:

ClinVar aggregate classification (germline): Uncertain significance (1 of 4 stars; one submission).

Allele frequency attached by ClinVar (database versions not stated): gnomAD exomes below 0.00001; TOPMed below 0.00001.
gnomAD v4.1: 1 of 1,614,124 alleles (0.000062%); highest among the groups gnomAD compares: Non-Finnish European, 0.000085%; no homozygotes.

Submission:

Labcorp Genetics (formerly Invitae), Labcorp
Classification: Uncertain significance. Last evaluated: 2023-06-18. Review status: criteria provided, single submitter. Criteria: Invitae Variant Classification Sherloc (09022015). Collection method: clinical testing. Allele origin: germline.
Comment: This variant is not present in population databases (gnomAD no frequency). This sequence change replaces glycine, which is neutral and non-polar, with arginine, which is basic and polar, at codon 160 of the SNIP1 protein (p.Gly160Arg). This variant has not been reported in the literature in individuals affected with SNIP1-related conditions. Advanced modeling of protein sequence and biophysical properties (such as structural, functional, and spatial information, amino acid conservation, physicochemical variation, residue mobility, and thermodynamic stability) performed at Invitae indicates that this missense variant is not expected to disrupt SNIP1 protein function. In summary, the available evidence is currently insufficient to determine the role of this variant in disease. Therefore, it has been classified as a Variant of Uncertain Significance.

NM_024700.4(SNIP1):c.478G>A (p.Gly160Arg)

Genes: SNIP1 (Smad nuclear interacting protein 1; minus strand), LOC126805704 (BRD4-independent group 4 enhancer GRCh37_chr1:38005292-38006491; plus strand). Cytogenetic location: 1p34.3.
Variant type: single nucleotide variant.
Coding change: c.478G>A on transcript NM_024700.4 (MANE Select); coding-DNA position 478, G replaced by A.
Protein change: p.Gly160Arg; replaces glycine 160 with arginine.
Molecular consequence: missense variant.
Genome position (GRCh38, 1-based): chr1:37,540,605, C>T on the plus strand (G>A on the coding strand, the complement: SNIP1 is on the minus strand). VCF-style: chr1-37540605-C-T. GRCh37 (hg19) VCF-style: chr1-38006206-C-T.
Other names: short protein forms G160R.
Identifiers: ClinVar variation 2794922 (VCV002794922.3), dbSNP rs1643162212, ClinGen allele CA339452120.
Genomic context (GRCh38, chr1:37,540,605, plus strand): 5'-CCCGCTCTTCTTCCTGAGCCTGCAGGTTCTGAGTGTCTCGATCCCGTCCCTGACCCTGCC[C>T]ACTCCCAGGCCTCTCGTTAGACGTTCTCCTTTGGTGGGAATGGCCCCGGTGTCTGTCCCG-3'
Protein context (NP_078976.2, residues 150-170): RRTSNERPGS[Gly160Arg]QGQGRDRDTQ